The following is an entry in ClinVar:

NM_001253697.2(ERBIN):c.598-3C>T

Gene: ERBIN (erbb2 interacting protein; plus strand). Cytogenetic location: 5q12.3.
Variant type: single nucleotide variant.
Coding change: c.598-3C>T on transcript NM_001253697.2 (MANE Select); 3 bases into the intron before coding-DNA position 598, C replaced by T.
Molecular consequence: intron variant.
Genome position (GRCh38, 1-based): chr5:66,023,287, C>T. VCF-style: chr5-66023287-C-T. GRCh37 (hg19) VCF-style: chr5-65319115-C-T.
Other names: c.598-3C>T (NM_001253699.2, NM_018695.4, NM_001253698.2 and 2 more transcripts).
Identifiers: ClinVar variation 2780185 (VCV002780185.3), dbSNP rs777901644, ClinGen allele CA3285998.

ClinVar aggregate classification (germline): Uncertain significance (1 of 4 stars; one submission).

Allele frequency attached by ClinVar (database versions not stated): gnomAD exomes below 0.00001; ExAC 0.00001; gnomAD 0.00001.
gnomAD v4.1: 6 of 1,611,198 alleles (0.00037%); highest among the groups gnomAD compares: Non-Finnish European, 0.00051%; no homozygotes.

Submission:

Labcorp Genetics (formerly Invitae), Labcorp
Classification: Uncertain significance. Last evaluated: 2023-04-16. Review status: criteria provided, single submitter. Criteria: Invitae Variant Classification Sherloc (09022015). Collection method: clinical testing. Allele origin: germline.
Comment: Variants that disrupt the consensus splice site are a relatively common cause of aberrant splicing (PMID: 17576681, 9536098). Algorithms developed to predict the effect of sequence changes on RNA splicing suggest that this variant may disrupt the consensus splice site. In summary, the available evidence is currently insufficient to determine the role of this variant in disease. Therefore, it has been classified as a Variant of Uncertain Significance. This variant has not been reported in the literature in individuals affected with ERBIN-related conditions. This variant is present in population databases (rs777901644, gnomAD 0.002%). This sequence change falls in intron 8 of the ERBIN gene. It does not directly change the encoded amino acid sequence of the ERBIN protein. It affects a nucleotide within the consensus splice site.

Literature cited by the submitters: PubMed 17576681; PubMed 9536098.